The following is an entry in ClinVar:

ClinVar aggregate classification (germline): Uncertain significance (1 of 4 stars; one submission).

Submission:

Labcorp Genetics (formerly Invitae), Labcorp
Classification: Uncertain significance. Last evaluated: 2025-08-26. Review status: criteria provided, single submitter. Criteria: Invitae Variant Classification Sherloc (09022015). Collection method: clinical testing. Allele origin: germline.
Comment: This sequence change replaces serine, which is neutral and polar, with asparagine, which is neutral and polar, at codon 161 of the CSF2RB protein (p.Ser161Asn). This variant is not present in population databases (gnomAD no frequency). This variant has not been reported in the literature in individuals affected with CSF2RB-related conditions. Invitae Evidence Modeling of protein sequence and biophysical properties (such as structural, functional, and spatial information, amino acid conservation, physicochemical variation, residue mobility, and thermodynamic stability) indicates that this missense variant is not expected to disrupt CSF2RB protein function with a negative predictive value of 80%. In summary, the available evidence is currently insufficient to determine the role of this variant in disease. Therefore, it has been classified as a Variant of Uncertain Significance.

NM_000395.3(CSF2RB):c.482G>A (p.Ser161Asn)

Gene: CSF2RB (colony stimulating factor 2 receptor subunit beta; plus strand). Cytogenetic location: 22q12.3.
Variant type: single nucleotide variant.
Coding change: c.482G>A on transcript NM_000395.3 (MANE Select); coding-DNA position 482, G replaced by A.
Protein change: p.Ser161Asn; replaces serine 161 with asparagine.
Molecular consequence: missense variant.
Genome position (GRCh38, 1-based): chr22:36,929,492, G>A. VCF-style: chr22-36929492-G-A. GRCh37 (hg19) VCF-style: chr22-37325534-G-A.
Other names: c.482G>A, p.Ser161Asn (NM_001410827.1); short protein forms S161N.
Identifiers: ClinVar variation 4739831 (VCV004739831.1).